The following is an entry in ClinVar:

NM_001363711.2(DUOX2):c.2696A>T (p.Gln899Leu)

Gene: DUOX2 (dual oxidase 2; minus strand). Cytogenetic location: 15q21.1.
Variant type: single nucleotide variant.
Coding change: c.2696A>T on transcript NM_001363711.2 (MANE Select); coding-DNA position 2696, A replaced by T.
Protein change: p.Gln899Leu; replaces glutamine 899 with leucine.
Molecular consequence: missense variant.
Genome position (GRCh38, 1-based): chr15:45,101,948, T>A on the plus strand (A>T on the coding strand, the complement: DUOX2 is on the minus strand). VCF-style: chr15-45101948-T-A. GRCh37 (hg19) VCF-style: chr15-45394146-T-A.
Other names: c.2696A>T, p.Gln899Leu (NM_014080.5); short protein forms Q899L.
Identifiers: ClinVar variation 2558666 (VCV002558666.3), dbSNP rs781389971, ClinGen allele CA7538173.

ClinVar aggregate classification (germline): Uncertain significance. Review status: criteria provided, multiple submitters, no conflicts (2 of 4 stars). 2 submissions from 2 submitters: Uncertain significance (2). Last evaluated 2025-10-29.

Conditions:
Inborn genetic diseases. Identifiers: MedGen C0950123, MeSH D030342.

Allele frequency attached by ClinVar (database versions not stated): gnomAD exomes below 0.00001; TOPMed 0.00001; ExAC 0.00002.

Submissions (2):

Labcorp Genetics (formerly Invitae), Labcorp
Classification: Uncertain significance. Last evaluated: 2025-10-29. Review status: criteria provided, single submitter. Criteria: Invitae Variant Classification Sherloc (09022015). Collection method: clinical testing. Allele origin: germline.
Comment: This sequence change replaces glutamine, which is neutral and polar, with leucine, which is neutral and non-polar, at codon 899 of the DUOX2 protein (p.Gln899Leu). This variant is present in population databases (rs781389971, gnomAD 0.01%). This variant has not been reported in the literature in individuals affected with DUOX2-related conditions. ClinVar contains an entry for this variant (Variation ID: 2558666). Invitae Evidence Modeling of protein sequence and biophysical properties (such as structural, functional, and spatial information, amino acid conservation, physicochemical variation, residue mobility, and thermodynamic stability) indicates that this missense variant is not expected to disrupt DUOX2 protein function with a negative predictive value of 80%. In summary, the available evidence is currently insufficient to determine the role of this variant in disease. Therefore, it has been classified as a Variant of Uncertain Significance.

Ambry Genetics
Classification: Uncertain significance for Inborn genetic diseases. Last evaluated: 2023-06-07. Review status: criteria provided, single submitter. Criteria: Ambry Variant Classification Scheme 2023. Collection method: clinical testing. Allele origin: germline.